The following is an entry in ClinVar:

ClinVar aggregate classification (germline): Uncertain significance (1 of 4 stars; one submission).

Conditions:
Neurofibromatosis, type 1 (NF1). Also called: VON RECKLINGHAUSEN DISEASE; NEUROFIBROMATOSIS, TYPE I, SOMATIC; Peripheral type neurofibromatosis; Neurofibromatosis, type I. Identifiers: Orphanet 636, MedGen C0027831, MONDO:0018975, OMIM 162200. Disease mechanism: loss of function.

Allele frequency attached by ClinVar (database versions not stated): gnomAD exomes below 0.00001.
gnomAD v4.1: 1 of 1,613,616 alleles (0.000062%); highest among the groups gnomAD compares: Non-Finnish European, 0.000085%; no homozygotes.

Submission:

Labcorp Genetics (formerly Invitae), Labcorp
Classification: Uncertain significance for Neurofibromatosis, type 1. Last evaluated: 2020-03-05. Review status: criteria provided, single submitter. Criteria: Invitae Variant Classification Sherloc (09022015). Collection method: clinical testing. Allele origin: germline.
Comment: This sequence change replaces alanine with aspartic acid at codon 776 of the NF1 protein (p.Ala776Asp). The alanine residue is moderately conserved and there is a moderate physicochemical difference between alanine and aspartic acid. This variant is not present in population databases (ExAC no frequency). This variant has not been reported in the literature in individuals with NF1-related conditions. Algorithms developed to predict the effect of missense changes on protein structure and function are either unavailable or do not agree on the potential impact of this missense change (SIFT: Tolerated; PolyPhen-2: Probably Damaging; Align-GVGD: Class C0). In summary, the available evidence is currently insufficient to determine the role of this variant in disease. Therefore, it has been classified as a Variant of Uncertain Significance.

NM_001042492.3(NF1):c.2327C>A (p.Ala776Asp)

Gene: NF1 (neurofibromin 1; plus strand). Cytogenetic location: 17q11.2.
Variant type: single nucleotide variant.
Coding change: c.2327C>A on transcript NM_001042492.3 (MANE Select); coding-DNA position 2327, C replaced by A.
Protein change: p.Ala776Asp; replaces alanine 776 with aspartic acid.
Molecular consequence: missense variant.
Genome position (GRCh38, 1-based): chr17:31,227,524, C>A. VCF-style: chr17-31227524-C-A. GRCh37 (hg19) VCF-style: chr17-29554542-C-A.
Other names: c.2327C>A, p.Ala776Asp (NM_000267.4); short protein forms A776D.
Identifiers: ClinVar variation 1043621 (VCV001043621.1), dbSNP rs2067037211, ClinGen allele CA398983000.
Genomic context (GRCh38, chr17:31,227,524, plus strand): 5'-CTGATTGATGTTTAGCTCTAGACTAAGTTGCTTTCAAGTGATAATTGCCTTCATTTTAGG[C>A]TTGGGAAGATACACATGCAAAATGGGAACAAGCAACAAAGCTAATCCTTAACTATCCAAA-3'
Protein context (NP_001035957.1, residues 766-786): IEHPTAGNTE[Ala776Asp]WEDTHAKWEQ